The following is an entry in ClinVar:

NM_020975.6(RET):c.3020A>C (p.Lys1007Thr)

Gene: RET (ret proto-oncogene; plus strand). Cytogenetic location: 10q11.21.
Variant type: single nucleotide variant.
Coding change: c.3020A>C on transcript NM_020975.6 (MANE Select); coding-DNA position 3020, A replaced by C.
Protein change: p.Lys1007Thr; replaces lysine 1007 with threonine.
Molecular consequence: missense variant.
Genome position (GRCh38, 1-based): chr10:43,124,963, A>C. VCF-style: chr10-43124963-A-C. GRCh37 (hg19) VCF-style: chr10-43620411-A-C.
Other names: c.2885A>C, p.Lys962Thr (NM_001406765.1, NM_001406763.1); c.2732A>C, p.Lys911Thr (NM_001406766.1, NM_001406767.1, NM_001406770.1); c.2756A>C, p.Lys919Thr (NM_001406768.1); c.2624A>C, p.Lys875Thr (NM_001406769.1, NM_001406772.1); c.2582A>C, p.Lys861Thr (NM_001406771.1, NM_001406773.1); c.2495A>C, p.Lys832Thr (NM_001406774.1); c.2030A>C, p.Lys677Thr (NM_001406784.1); c.2003A>C, p.Lys668Thr (NM_001406785.1); and 10 more; short protein forms K1007T, K753T, K668T, K765T, K964T, K524T, K665T, K832T.
Identifiers: ClinVar variation 1010142 (VCV001010142.12), dbSNP rs759798237, ClinGen allele CA376558206.

ClinVar aggregate classification (germline): Uncertain significance. Review status: criteria provided, multiple submitters, no conflicts (2 of 4 stars). 4 submissions from 4 submitters: Uncertain significance (4). Last evaluated 2026-07-07.

Conditions:
Multiple endocrine neoplasia, type 2 (MEN2). Identifiers: Orphanet 653, MedGen C4048306, MONDO:0019003. Disease mechanism: gain of function.
Hereditary cancer-predisposing syndrome. Also called: Tumor predisposition; Hereditary Cancer Syndrome; Hereditary neoplastic syndrome; Neoplastic Syndromes, Hereditary. Identifiers: Orphanet 140162, MedGen C0027672, MeSH D009386, MONDO:0015356.

Allele frequency attached by ClinVar (database versions not stated): TOPMed below 0.00001; gnomAD 0.00001.
gnomAD v4.1: 3 of 1,614,092 alleles (0.00019%); highest among the groups gnomAD compares: African/African-American, 0.0013%; no homozygotes.

Submissions (4):

Ambry Genetics
Classification: Uncertain significance for Hereditary cancer-predisposing syndrome. Last evaluated: 2026-07-07. Review status: criteria provided, single submitter. Criteria: Ambry Variant Classification Scheme 2023. Collection method: clinical testing. Allele origin: germline.
Comment: The p.K1007T variant (also known as c.3020A>C), located in coding exon 18 of the RET gene, results from an A to C substitution at nucleotide position 3020. The lysine at codon 1007 is replaced by threonine, an amino acid with similar properties. This amino acid position is conserved. In addition, the in silico prediction for this alteration is inconclusive. Based on the available evidence, the clinical significance of this variant remains unclear.

Labcorp Genetics (formerly Invitae), Labcorp
Classification: Uncertain significance for Multiple endocrine neoplasia, type 2. Last evaluated: 2026-01-18. Review status: criteria provided, single submitter. Criteria: Invitae Variant Classification Sherloc (09022015). Collection method: clinical testing. Allele origin: germline.
Comment: This sequence change replaces lysine, which is basic and polar, with threonine, which is neutral and polar, at codon 1007 of the RET protein (p.Lys1007Thr). This variant is not present in population databases (gnomAD no frequency). This variant has not been reported in the literature in individuals affected with RET-related conditions. ClinVar contains an entry for this variant (Variation ID: 1010142). An algorithm developed to predict the effect of missense changes on protein structure and function (PolyPhen-2) suggests that this variant is likely to be disruptive. In summary, the available evidence is currently insufficient to determine the role of this variant in disease. Therefore, it has been classified as a Variant of Uncertain Significance.

All of Us Research Program, National Institutes of Health
Classification: Uncertain significance for Multiple endocrine neoplasia, type 2. Last evaluated: 2023-11-20. Review status: criteria provided, single submitter. Criteria: ACMG Guidelines, 2015. Collection method: clinical testing. Allele origin: germline. Inheritance: Autosomal dominant inheritance. Observed: 1 variant allele, 1 heterozygote.
Comment: This missense variant replaces lysine with threonine at codon 1007 of the RET protein. Computational prediction is inconclusive regarding the impact of this variant on protein structure and function (internally defined REVEL score threshold 0.5 < inconclusive < 0.7, PMID: 27666373). To our knowledge, functional studies have not been reported for this variant. This variant has not been reported in individuals affected with RET-related disorders in the literature. This variant has not been identified in the general population by the Genome Aggregation Database (gnomAD). The available evidence is insufficient to determine the role of this variant in disease conclusively. Therefore, this variant is classified as a Variant of Uncertain Significance.

This study involves interpretation of variants in research participants for the purpose of population health screening. Participant phenotype was not available at the time of variant classification. Additional details can be found in publication PMID: 35346344, PMCID: PMC8962531

Color Diagnostics, LLC DBA Color Health
Classification: Uncertain significance for Multiple endocrine neoplasia, type 2. Last evaluated: 2023-11-01. Review status: criteria provided, single submitter. Criteria: ACMG Guidelines, 2015. Collection method: clinical testing. Allele origin: germline.
Comment: This missense variant replaces lysine with threonine at codon 1007 of the RET protein. Computational prediction is inconclusive regarding the impact of this variant on protein structure and function. To our knowledge, functional studies have not been reported for this variant. This variant has not been reported in individuals affected with RET-related disorders in the literature. This variant has not been identified in the general population by the Genome Aggregation Database (gnomAD). The available evidence is insufficient to determine the role of this variant in disease conclusively. Therefore, this variant is classified as a Variant of Uncertain Significance.